The following is an entry in ClinVar:

NM_003036.4(SKI):c.1880T>G (p.Met627Arg)

Gene: SKI (SKI proto-oncogene; plus strand). Cytogenetic location: 1p36.32.
Variant type: single nucleotide variant.
Coding change: c.1880T>G on transcript NM_003036.4 (MANE Select); coding-DNA position 1880, T replaced by G.
Protein change: p.Met627Arg; replaces methionine 627 with arginine.
Molecular consequence: missense variant.
Genome position (GRCh38, 1-based): chr1:2,306,132, T>G. VCF-style: chr1-2306132-T-G. GRCh37 (hg19) VCF-style: chr1-2237571-T-G.
Other names: short protein forms M627R.
Identifiers: ClinVar variation 4799801 (VCV004799801.1).

ClinVar aggregate classification (germline): Uncertain significance (1 of 4 stars; one submission).

Conditions:
Shprintzen-Goldberg syndrome (SGS). Also called: Marfanoid disorder with craniosynostosis type 1; Marfanoid craniosynostosis syndrome; Shprintzen-Goldberg marfanoid syndrome; SHPRINTZEN-GOLDBERG CRANIOSYNOSTOSIS SYNDROME; CRANIOSYNOSTOSIS WITH ARACHNODACTYLY AND ABDOMINAL HERNIAS. Identifiers: Orphanet 2462, MedGen C1321551, MONDO:0008426, OMIM 182212.

Submission:

Labcorp Genetics (formerly Invitae), Labcorp
Classification: Uncertain significance for Shprintzen-Goldberg syndrome. Last evaluated: 2025-07-29. Review status: criteria provided, single submitter. Criteria: Invitae Variant Classification Sherloc (09022015). Collection method: clinical testing. Allele origin: germline.
Comment: This sequence change replaces methionine, which is neutral and non-polar, with arginine, which is basic and polar, at codon 627 of the SKI protein (p.Met627Arg). This variant is not present in population databases (gnomAD no frequency). This variant has not been reported in the literature in individuals affected with SKI-related conditions. Invitae Evidence Modeling of protein sequence and biophysical properties (such as structural, functional, and spatial information, amino acid conservation, physicochemical variation, residue mobility, and thermodynamic stability) indicates that this missense variant is not expected to disrupt SKI protein function with a negative predictive value of 95%. In summary, the available evidence is currently insufficient to determine the role of this variant in disease. Therefore, it has been classified as a Variant of Uncertain Significance.